The following is an entry in ClinVar:

ClinVar aggregate classification (germline): Uncertain significance (1 of 4 stars; one submission).

Conditions:
Martsolf syndrome (MARTS). Also called: Congenital cataract with intellectual disability and hypogonadotropic hypogonadism syndrome. Identifiers: Orphanet 1387, MedGen C0796037, MONDO:0023910.
Warburg micro syndrome 2 (WARBM2). Also called: MICRO SYNDROME 2. Identifiers: Orphanet 2510, MedGen C3280214, MONDO:0013641, OMIM 614225.

Allele frequency attached by ClinVar (database versions not stated): TOPMed 0.00001.
gnomAD v4.1: 15 of 1,614,196 alleles (0.00093%); highest among the groups gnomAD compares: Admixed American, 0.005%; no homozygotes.

Submission:

Labcorp Genetics (formerly Invitae), Labcorp
Classification: Uncertain significance for Martsolf syndrome; Warburg micro syndrome 2. Last evaluated: 2022-08-03. Review status: criteria provided, single submitter. Criteria: Invitae Variant Classification Sherloc (09022015). Collection method: clinical testing. Allele origin: germline.
Comment: In summary, the available evidence is currently insufficient to determine the role of this variant in disease. Therefore, it has been classified as a Variant of Uncertain Significance. Algorithms developed to predict the effect of missense changes on protein structure and function (SIFT, PolyPhen-2, Align-GVGD) all suggest that this variant is likely to be tolerated. This variant has not been reported in the literature in individuals affected with RAB3GAP2-related conditions. The frequency data for this variant in the population databases is considered unreliable, as metrics indicate poor data quality at this position in the gnomAD database. This sequence change replaces histidine, which is basic and polar, with arginine, which is basic and polar, at codon 842 of the RAB3GAP2 protein (p.His842Arg).

NM_012414.4(RAB3GAP2):c.2525A>G (p.His842Arg)

Gene: RAB3GAP2 (RAB3 GTPase activating non-catalytic protein subunit 2; minus strand). Cytogenetic location: 1q41.
Variant type: single nucleotide variant.
Coding change: c.2525A>G on transcript NM_012414.4 (MANE Select); coding-DNA position 2525, A replaced by G.
Protein change: p.His842Arg; replaces histidine 842 with arginine.
Molecular consequence: missense variant.
Genome position (GRCh38, 1-based): chr1:220,171,941, T>C on the plus strand (A>G on the coding strand, the complement: RAB3GAP2 is on the minus strand). VCF-style: chr1-220171941-T-C. GRCh37 (hg19) VCF-style: chr1-220345283-T-C.
Other names: short protein forms H842R.
Identifiers: ClinVar variation 2195815 (VCV002195815.4), dbSNP rs1217859646, ClinGen allele CA344638429.